The following is an entry in ClinVar:

NM_033380.3(COL4A5):c.439-7A>G

Gene: COL4A5 (collagen type IV alpha 5 chain; plus strand). Cytogenetic location: Xq22.3.
Variant type: single nucleotide variant.
Coding change: c.439-7A>G on transcript NM_033380.3 (MANE Select); 7 bases into the intron before coding-DNA position 439, A replaced by G.
Molecular consequence: intron variant.
Genome position (GRCh38, 1-based): chrX:108,571,804, A>G. VCF-style: chrX-108571804-A-G. GRCh37 (hg19) VCF-style: chrX-107815034-A-G.
Other names: c.439-7A>G (NM_000495.5).
Identifiers: ClinVar variation 1395099 (VCV001395099.6), dbSNP rs2147754958, ClinGen allele CA2573159173.
Genomic context (GRCh38, chrX:108,571,804, plus strand): 5'-AGCATTCTGTAATTGGCGTGTTTCTCTCTCATACATATAAAATAATCCCTTTTCTTTTTA[A>G]TAATAGGGACCCCCTGGGATCCCAGGTATGAAGGTAAGCATCTCATTCTGGGGAACAAAT-3'

ClinVar aggregate classification (germline): Likely pathogenic (1 of 4 stars; one submission).

Submission:

Labcorp Genetics (formerly Invitae), Labcorp
Classification: Likely pathogenic. Last evaluated: 2025-08-21. Review status: criteria provided, single submitter. Criteria: Invitae Variant Classification Sherloc (09022015). Collection method: clinical testing. Allele origin: germline.
Comment: This sequence change falls in intron 7 of the COL4A5 gene. It does not directly change the encoded amino acid sequence of the COL4A5 protein. This variant is not present in population databases (gnomAD no frequency). This variant has been observed in individuals with clinical features of COL4A5-related conditions (PMID: 37100867, 38433557; internal data). ClinVar contains an entry for this variant (Variation ID: 1395099). Algorithms developed to predict the effect of sequence changes on RNA splicing suggest that this variant may disrupt the consensus splice site. In summary, the currently available evidence indicates that the variant is pathogenic, but additional data are needed to prove that conclusively. Therefore, this variant has been classified as Likely Pathogenic.

Literature cited by the submitters: PubMed 37100867; PubMed 38433557.